The following is an entry in ClinVar:

NM_003920.5(TIMELESS):c.517C>T (p.Leu173Phe)

Gene: TIMELESS (timeless circadian regulator; minus strand). Cytogenetic location: 12q13.3.
Variant type: single nucleotide variant.
Coding change: c.517C>T on transcript NM_003920.5 (MANE Select); coding-DNA position 517, C replaced by T.
Protein change: p.Leu173Phe; replaces leucine 173 with phenylalanine.
Molecular consequence: missense variant. On other transcripts: non-coding transcript variant (1).
Genome position (GRCh38, 1-based): chr12:56,433,040, G>A on the plus strand (C>T on the coding strand, the complement: TIMELESS is on the minus strand). VCF-style: chr12-56433040-G-A. GRCh37 (hg19) VCF-style: chr12-56826824-G-A.
Other names: c.517C>T, p.Leu173Phe (NM_001330295.2); short protein forms L173F.
Identifiers: ClinVar variation 2643095 (VCV002643095.24), dbSNP rs1251524473, ClinGen allele CA385253068.
Genomic context (GRCh38, chr12:56,433,040, plus strand): 5'-CTCAACCTAACCATGCACAAGAACACAGAACACCCAAGACCCTCACCTTCTCCTGATCAA[G>A]GTCAGCTGGGACATGGAGAATATTTCTGACCAGCAGTAGGATCCGTTCAATCAGCAAGTT-3'
Protein context (NP_003911.2, residues 163-183): VRNILHVPAD[Leu173Phe]DQEKKIDDDA

ClinVar aggregate classification (germline): Likely benign (1 of 4 stars; one submission).

Allele frequency attached by ClinVar (database versions not stated): gnomAD exomes below 0.00001; TOPMed below 0.00001.

Submission:

CeGaT Center for Human Genetics Tuebingen
Classification: Likely benign. Last evaluated: 2022-03-01. Review status: criteria provided, single submitter. Criteria: CeGaT Center For Human Genetics Tuebingen Variant Classification Criteria Version 2. Collection method: clinical testing. Allele origin: germline. Affected: yes. Observed: 1 variant allele.
Comment: TIMELESS: BP4